The following is an entry in ClinVar:

ClinVar aggregate classification (germline): Uncertain significance. Review status: criteria provided, multiple submitters, no conflicts (2 of 4 stars). 5 submissions from 5 submitters: Uncertain significance (4). 1 of the submissions does not count toward it. Last evaluated 2024-09-03.

Conditions:
Muscular dystrophy-dystroglycanopathy (congenital with brain and eye anomalies), type a, 8 (MDDGA8). Also called: WALKER-WARBURG SYNDROME OR MUSCLE-EYE-BRAIN DISEASE, GTDC2-RELATED. Identifiers: Orphanet 899, MedGen C3553813, MONDO:0013904, OMIM 614830.

Allele frequency attached by ClinVar (database versions not stated): gnomAD exomes 0.00020 and 0.00031; ExAC 0.00025; 1000 Genomes Project 30x 0.00047; gnomAD 0.00056 and 0.00058; 1000 Genomes Project 0.00060; ESP Exome Variant Server 0.00062; TOPMed 0.00064.

Submissions (5):

Blueprint Genetics
Classification: Uncertain significance. Last evaluated: 2024-09-03. Review status: criteria provided, single submitter. Criteria: ACMG Guidelines, 2015. Collection method: clinical testing. Allele origin: germline.

Mayo Clinic Laboratories, Mayo Clinic
Classification: Uncertain significance. Last evaluated: 2023-02-09. Review status: criteria provided, single submitter. Criteria: ACMG Guidelines, 2015. Collection method: clinical testing. Allele origin: germline. Observed: 1 variant allele.

Labcorp Genetics (formerly Invitae), Labcorp
Classification: Uncertain significance for Muscular dystrophy-dystroglycanopathy (congenital with brain and eye anomalies), type a, 8. Last evaluated: 2022-10-24. Review status: criteria provided, single submitter. Criteria: Invitae Variant Classification Sherloc (09022015). Collection method: clinical testing. Allele origin: germline.
Comment: This sequence change replaces arginine, which is basic and polar, with tryptophan, which is neutral and slightly polar, at codon 407 of the POMGNT2 protein (p.Arg407Trp). This variant is present in population databases (rs138480528, gnomAD 0.2%). This variant has not been reported in the literature in individuals affected with POMGNT2-related conditions. ClinVar contains an entry for this variant (Variation ID: 129214). Advanced modeling of protein sequence and biophysical properties (such as structural, functional, and spatial information, amino acid conservation, physicochemical variation, residue mobility, and thermodynamic stability) performed at Invitae indicates that this missense variant is not expected to disrupt POMGNT2 protein function. In summary, the available evidence is currently insufficient to determine the role of this variant in disease. Therefore, it has been classified as a Variant of Uncertain Significance.

GeneDx
Classification: Uncertain significance. Last evaluated: 2021-07-01. Review status: criteria provided, single submitter. Criteria: GeneDx Variant Classification Process June 2021. Collection method: clinical testing. Allele origin: germline. Affected: yes.
Comment: In silico analysis supports that this missense variant has a deleterious effect on protein structure/function; Has not been previously published as pathogenic or benign to our knowledge; This variant is associated with the following publications: (PMID: 27535533)

Genetic Services Laboratory, University of Chicago
Classification: Uncertain significance. Last evaluated: 2013-09-30. Review status: no assertion criteria provided. Collection method: clinical testing. Allele origin: germline. Affected: yes. Not counted in ClinVar's aggregate classification.
Comment: DNA sequence analysis of the POMGNT2 gene demonstrated a sequence change, c.1219C>T, in exon 2 that results in an amino acid change, p.Arg407Trp. This sequence change does not appear to have been previously described in patients with POMGNT2-related disorders and has been described in the Exome Aggregation Consortium with a low population frequency of 0.025% (dbSNP rs138480528). The p.Arg407Trp change affects a moderately conserved amino acid residue located in a domain of the POMGNT2 protein that is not known to be functional. The p.Arg407Trp substitution appears to be deleterious/possibly damaging using several in-silico pathogenicity prediction tools (SIFT PolyPhen2, MutationTaster). Due to these contrasting evidences and the lack of functional studies, the clinical significance of the p.Arg407Trp change remains unknown at this time.

NM_032806.6(POMGNT2):c.1219C>T (p.Arg407Trp)

Gene: POMGNT2 (protein O-linked mannose N-acetylglucosaminyltransferase 2 (beta 1,4-); minus strand). Cytogenetic location: 3p22.1.
Variant type: single nucleotide variant.
Coding change: c.1219C>T on transcript NM_032806.6 (MANE Select); coding-DNA position 1219, C replaced by T.
Protein change: p.Arg407Trp; replaces arginine 407 with tryptophan.
Molecular consequence: missense variant.
Genome position (GRCh38, 1-based): chr3:43,080,213, G>A on the plus strand (C>T on the coding strand, the complement: POMGNT2 is on the minus strand). VCF-style: chr3-43080213-G-A. GRCh37 (hg19) VCF-style: chr3-43121705-G-A.
Other names: p.Arg407Trp; short protein forms R407W.
Identifiers: ClinVar variation 129214 (VCV000129214.54), dbSNP rs138480528, ClinGen allele CA205934.
Genomic context (GRCh38, chr3:43,080,213, plus strand): 5'-GCAGGATACGGGCTTGCTCAGCCCGGTCCAGATGGGTGATGCCCCCCTGATCCCAGGGCC[G>A]CTCAGGGTGTGTGACTGTGTTCTCTGGCATCATGTTCCGCCAGGCTACATACTGGAGGTC-3'
Protein context (NP_116195.2, residues 397-417): MPENTVTHPE[Arg407Trp]PWDQGGITHL